The following is an entry in ClinVar:

NM_000038.6(APC):c.6473C>T (p.Pro2158Leu)

Gene: APC (APC regulator of Wnt signaling pathway; plus strand). Cytogenetic location: 5q22.2.
Variant type: single nucleotide variant.
Coding change: c.6473C>T on transcript NM_000038.6 (MANE Select); coding-DNA position 6473, C replaced by T.
Protein change: p.Pro2158Leu; replaces proline 2158 with leucine.
Molecular consequence: missense variant.
Genome position (GRCh38, 1-based): chr5:112,842,067, C>T. VCF-style: chr5-112842067-C-T. GRCh37 (hg19) VCF-style: chr5-112177764-C-T.
Other names: c.6473C>T, p.Pro2158Leu (NM_001127510.3, NM_001354895.2); c.6419C>T, p.Pro2140Leu (NM_001127511.3); c.6527C>T, p.Pro2176Leu (NM_001354896.2); c.6503C>T, p.Pro2168Leu (NM_001354897.2); c.6398C>T, p.Pro2133Leu (NM_001354898.2); c.6389C>T, p.Pro2130Leu (NM_001354899.2); c.6350C>T, p.Pro2117Leu (NM_001354900.2); c.6296C>T, p.Pro2099Leu (NM_001354901.2); and 5 more; short protein forms P2067L, P2099L, P2140L, P2032L, P2057L, P1998L, P2133L, P2158L.
Identifiers: ClinVar variation 826427 (VCV000826427.8), dbSNP rs587779804, ClinGen allele CA16035499.

ClinVar aggregate classification (germline): Uncertain significance. Review status: criteria provided, multiple submitters, no conflicts (2 of 4 stars). 3 submissions from 3 submitters: Uncertain significance (3). Last evaluated 2025-07-02.

Conditions:
Hereditary cancer-predisposing syndrome. Also called: Neoplastic Syndromes, Hereditary; Tumor predisposition; Hereditary neoplastic syndrome; Hereditary Cancer Syndrome. Identifiers: Orphanet 140162, MedGen C0027672, MeSH D009386, MONDO:0015356.
Familial adenomatous polyposis 1 (FAP1). Also called: POLYPOSIS, ADENOMATOUS INTESTINAL; FAMILIAL ADENOMATOUS POLYPOSIS 1, ATTENUATED. Identifiers: MedGen C2713442, MONDO:0021056, OMIM 175100. Disease mechanism: loss of function.

Submissions (3):

Color Diagnostics, LLC DBA Color Health
Classification: Uncertain significance for Hereditary cancer-predisposing syndrome. Last evaluated: 2025-07-02. Review status: criteria provided, single submitter. Criteria: ACMG Guidelines, 2015. Collection method: clinical testing. Allele origin: germline.
Comment: This missense variant replaces proline with leucine at codon 2158 of the APC protein. Computational prediction suggests that this variant may not impact protein structure and function. To our knowledge, functional studies have not been reported for this variant. This variant has not been reported in individuals affected with APC-related disorders in the literature. This variant has not been identified in the general population by the Genome Aggregation Database (gnomAD). The available evidence is insufficient to determine the role of this variant in disease conclusively. Therefore, this variant is classified as a Variant of Uncertain Significance.

Labcorp Genetics (formerly Invitae), Labcorp
Classification: Uncertain significance for Familial adenomatous polyposis 1. Last evaluated: 2023-06-27. Review status: criteria provided, single submitter. Criteria: Invitae Variant Classification Sherloc (09022015). Collection method: clinical testing. Allele origin: germline.
Comment: In summary, the available evidence is currently insufficient to determine the role of this variant in disease. Therefore, it has been classified as a Variant of Uncertain Significance. Advanced modeling of protein sequence and biophysical properties (such as structural, functional, and spatial information, amino acid conservation, physicochemical variation, residue mobility, and thermodynamic stability) performed at Invitae indicates that this missense variant is not expected to disrupt APC protein function. ClinVar contains an entry for this variant (Variation ID: 826427). This variant has not been reported in the literature in individuals affected with APC-related conditions. This variant is not present in population databases (gnomAD no frequency). This sequence change replaces proline, which is neutral and non-polar, with leucine, which is neutral and non-polar, at codon 2158 of the APC protein (p.Pro2158Leu).

Ambry Genetics
Classification: Uncertain significance for Hereditary cancer-predisposing syndrome. Last evaluated: 2021-04-20. Review status: criteria provided, single submitter. Criteria: Ambry Variant Classification Scheme 2023. Collection method: clinical testing. Allele origin: germline.
Comment: The p.P2158L variant (also known as c.6473C>T), located in coding exon 15 of the APC gene, results from a C to T substitution at nucleotide position 6473. The proline at codon 2158 is replaced by leucine, an amino acid with similar properties. This amino acid position is highly conserved in available vertebrate species. In addition, in silico predictors for this gene do not accurately predict pathogenicity. Since supporting evidence is limited at this time, the clinical significance of this alteration remains unclear.